The following is an entry in ClinVar:

ClinVar aggregate classification (germline): Uncertain significance (1 of 4 stars; one submission).

Conditions:
Inborn genetic diseases. Identifiers: MedGen C0950123, MeSH D030342.

Submission:

Ambry Genetics
Classification: Uncertain significance for Inborn genetic diseases. Last evaluated: 2025-06-30. Review status: criteria provided, single submitter. Criteria: Ambry Variant Classification Scheme 2023. Collection method: clinical testing. Allele origin: germline.
Comment: The p.K676N variant (also known as c.2028A>T), located in coding exon 12 of the FANCM gene, results from an A to T substitution at nucleotide position 2028. The lysine at codon 676 is replaced by asparagine, an amino acid with similar properties. This amino acid position is conserved. In addition, this alteration is predicted to be tolerated by in silico analysis. Based on the available evidence, the clinical significance of this variant remains unclear.

NM_020937.4(FANCM):c.2028A>T (p.Lys676Asn)

Gene: FANCM (FA complementation group M; plus strand). Cytogenetic location: 14q21.2.
Variant type: single nucleotide variant.
Coding change: c.2028A>T on transcript NM_020937.4 (MANE Select); coding-DNA position 2028, A replaced by T.
Protein change: p.Lys676Asn; replaces lysine 676 with asparagine.
Molecular consequence: missense variant.
Genome position (GRCh38, 1-based): chr14:45,170,614, A>T. VCF-style: chr14-45170614-A-T. GRCh37 (hg19) VCF-style: chr14-45639817-A-T.
Other names: c.1950A>T, p.Lys650Asn (NM_001308133.2); short protein forms K676N, K650N.
Identifiers: ClinVar variation 4254562 (VCV004254562.1).